The following is an entry in ClinVar:

NM_024665.7(TBL1XR1):c.1091T>G (p.Leu364Trp)

Genes: TBL1XR1 (TBL1X/Y related 1; minus strand), TBL1XR1-AS1 (TBL1XR1 antisense RNA 1; plus strand), LOC126806878 (CDK7 strongly-dependent group 2 enhancer GRCh37_chr3:176755168-176756367; plus strand). Cytogenetic location: 3q26.32.
Variant type: single nucleotide variant.
Coding change: c.1091T>G on transcript NM_024665.7 (MANE Select); coding-DNA position 1091, T replaced by G.
Protein change: p.Leu364Trp; replaces leucine 364 with tryptophan.
Molecular consequence: missense variant.
Genome position (GRCh38, 1-based): chr3:177,038,129, A>C on the plus strand (T>G on the coding strand, the complement: TBL1XR1 is on the minus strand). VCF-style: chr3-177038129-A-C. GRCh37 (hg19) VCF-style: chr3-176755917-A-C.
Other names: c.1091T>G, p.Leu364Trp (NM_001321193.3, NM_001321194.3, NM_001374327.1 and 2 more transcripts); c.830T>G, p.Leu277Trp (NM_001321195.3, NM_001374330.1); short protein forms L277W, L364W.
Identifiers: ClinVar variation 3383964 (VCV003383964.2).

ClinVar aggregate classification (germline): Likely pathogenic (1 of 4 stars; one submission).

Conditions:
TBL1XR1-related neurodevelopmental disorder.

Submission:

Molecular Genetics Laboratory, Motol Hospital
Classification: Likely pathogenic for TBL1XR1-related neurodevelopmental disorder. Last evaluated: 2024-12-06. Review status: criteria provided, single submitter. Criteria: ACMG Guidelines, 2015. Collection method: clinical testing. Allele origin: de novo. Affected: yes. Observed: 1 variant allele.
Comment: The variant was confirmed to be of a de novo origin. Rare missense variants affecting the TBL1XR1 gene are documented as a molecular cause of autosomal dominant "intellectual developmental disorder-41" (MRD41, OMIM:616944) and Pierpont syndrome (PRPTS, OMIM:602342) (PMID:38378692;33527360;32524419;30365874). To conclude, the variant is classified as likely pathogenic (ACMG PS2, PM2, PM1, PP2, PP3).

Literature cited by the submitters: PubMed 38378692; PubMed 33527360; PubMed 32524419; PubMed 30365874.